The following is an entry in ClinVar:

ClinVar aggregate classification (germline): Likely benign (1 of 4 stars; one submission).

Submission:

CeGaT Center for Human Genetics Tuebingen
Classification: Likely benign. Last evaluated: 2024-10-01. Review status: criteria provided, single submitter. Criteria: CeGaT Center For Human Genetics Tuebingen Variant Classification Criteria Version 2. Collection method: clinical testing. Allele origin: germline. Affected: yes. Observed: 1 variant allele.
Comment: PAX3: BP4, BP7

NM_181458.4(PAX3):c.1122G>A (p.Ser374=)

Genes: PAX3 (paired box 3; minus strand), LOC126806529 (CDK7 strongly-dependent group 2 enhancer GRCh37_chr2:223084735-223085934; plus strand). Cytogenetic location: 2q36.1.
Variant type: single nucleotide variant.
Coding change: c.1122G>A on transcript NM_181458.4 (MANE Select); coding-DNA position 1122, G replaced by A.
Protein change: p.Ser374=; no amino-acid change (serine 374 retained).
Molecular consequence: synonymous variant.
Genome position (GRCh38, 1-based): chr2:222,220,191, C>T on the plus strand (G>A on the coding strand, the complement: PAX3 is on the minus strand). VCF-style: chr2-222220191-C-T. GRCh37 (hg19) VCF-style: chr2-223084910-C-T.
Other names: c.1122G>A, p.Ser374= (NM_181459.4, NM_181460.4, NM_181461.4 and 1 more transcripts); c.1119G>A, p.Ser373= (NM_001127366.3).
Identifiers: ClinVar variation 3388639 (VCV003388639.14).